The following is an entry in ClinVar:

NC_000013.11:g.(?_48452983)_(48465378_?)dup

Gene: RB1 (RB transcriptional corepressor 1; plus strand). Cytogenetic location: 13q14.2.
Variant type: Duplication.
Identifiers: ClinVar variation 830389 (VCV000830389.1).

ClinVar aggregate classification (germline): Likely pathogenic (1 of 4 stars; one submission).

Conditions:
Retinoblastoma (RB1). Also called: RETINOBLASTOMA, SOMATIC. Identifiers: Orphanet 790, MedGen C0035335, MeSH D012175, MONDO:0008380, OMIM 180200, HP:0009919. Disease mechanism: loss of function. Inheritance: Both sporadic and heritable forms are tested..

Submission:

Labcorp Genetics (formerly Invitae), Labcorp
Classification: Likely pathogenic for Retinoblastoma. Last evaluated: 2019-07-13. Review status: criteria provided, single submitter. Criteria: Invitae Variant Classification Sherloc (09022015). Collection method: clinical testing. Allele origin: germline.
Comment: This variant results in a copy number gain of the genomic region encompassing exons 18-23 of the RB1 gene. While the exact position of this variant cannot be determined from this data, sub-genic copy number gains are generally in tandem (PMID: 25640679) and may result in an absent or disrupted protein product. Loss-of-function variants in RB1 are known to be pathogenic (PMID: 17096365). In summary, the currently available evidence indicates that the variant is pathogenic, but additional data are needed to prove that conclusively. Therefore, this variant has been classified as Likely Pathogenic.